The following is an entry in ClinVar:

NM_000377.3(WAS):c.995T>C (p.Val332Ala)

Gene: WAS (WASP actin nucleation promoting factor; plus strand). Cytogenetic location: Xp11.23.
Variant type: single nucleotide variant.
Coding change: c.995T>C on transcript NM_000377.3 (MANE Select); coding-DNA position 995, T replaced by C.
Protein change: p.Val332Ala; replaces valine 332 with alanine.
Molecular consequence: missense variant.
Genome position (GRCh38, 1-based): chrX:48,688,723, T>C. VCF-style: chrX-48688723-T-C. GRCh37 (hg19) VCF-style: chrX-48547112-T-C.
Other names: p.Val332Ala; short protein forms V332A.
Identifiers: ClinVar variation 135410 (VCV000135410.31), dbSNP rs2737799, ClinGen allele CA162675.

ClinVar aggregate classification (germline): Benign/Likely benign. Review status: criteria provided, multiple submitters, no conflicts (2 of 4 stars). 13 submissions from 13 submitters: Benign (6); Likely benign (5). 2 of the submissions do not count toward it. Last evaluated 2026-02-04.

Conditions:
X-linked severe congenital neutropenia (SCNX). Identifiers: Orphanet 86788, MedGen C1845987, MONDO:0010294, OMIM 300299.
Thrombocytopenia 1. Also called: X-Linked Thrombocytopenia (XLT); THROMBOCYTOPENIA, X-LINKED, 1; X-linked thrombocytopenia with normal platelets. Identifiers: Orphanet 268322, Orphanet 852, MedGen C1839163, MONDO:0010743, OMIM 313900.
Wiskott-Aldrich syndrome (WAS). Also called: Wiskott-aldrich syndrome, somatic; WISKOTT-ALDRICH SYNDROME 1; ALDRICH SYNDROME; IMMUNODEFICIENCY 2. Identifiers: Orphanet 906, MedGen C0043194, MONDO:0010518, OMIM 301000.

Allele frequency attached by ClinVar (database versions not stated): 1000 Genomes Project 30x 0.00291; ESP Exome Variant Server 0.00308; 1000 Genomes Project 0.00318; TOPMed 0.00466; gnomAD exomes 0.00479 and 0.00551; gnomAD 0.00489 and 0.00492; ExAC 0.00507.
gnomAD v4.1: 6,452 of 1,176,011 alleles (0.55%); highest among the groups gnomAD compares: Middle Eastern, 1.5%; 17 homozygotes.

Submissions (13):

Labcorp Genetics (formerly Invitae), Labcorp
Classification: Benign for Wiskott-Aldrich syndrome; X-linked severe congenital neutropenia; Thrombocytopenia 1. Last evaluated: 2026-02-04. Review status: criteria provided, single submitter. Criteria: Invitae Variant Classification Sherloc (09022015). Collection method: clinical testing. Allele origin: germline.

Blueprint Genetics
Classification: Likely benign. Last evaluated: 2024-11-27. Review status: criteria provided, single submitter. Criteria: ACMG Guidelines, 2015. Collection method: clinical testing. Allele origin: germline.

Mayo Clinic Laboratories, Mayo Clinic
Classification: Benign. Last evaluated: 2024-11-05. Review status: criteria provided, single submitter. Criteria: ACMG Guidelines, 2015. Collection method: clinical testing. Allele origin: germline. Observed: 20 variant alleles.
Comment: BS1, BS2, BP4

ARUP Laboratories, Molecular Genetics and Genomics, ARUP Laboratories
Classification: Likely benign. Last evaluated: 2024-10-30. Review status: criteria provided, single submitter. Criteria: ARUP Molecular Germline Variant Investigation Process 2024. Collection method: clinical testing. Allele origin: germline.

KCCC/NGS Laboratory, Kuwait Cancer Control Center
Classification: Benign for Wiskott-Aldrich syndrome. Last evaluated: 2023-07-07. Review status: criteria provided, single submitter. Criteria: ACMG Guidelines, 2015. Collection method: clinical testing. Allele origin: germline. Affected: yes.

GeneDx
Classification: Likely benign. Last evaluated: 2021-04-19. Review status: criteria provided, single submitter. Criteria: GeneDx Variant Classification Process June 2021. Collection method: clinical testing. Allele origin: germline. Affected: yes.
Comment: This variant is associated with the following publications: (PMID: 27153395, 17400488, 22995991, 24728327, 24369837, 23689198)

Genetic Services Laboratory, University of Chicago
Classification: Benign. Last evaluated: 2019-06-11. Review status: criteria provided, single submitter. Criteria: ACMG Guidelines, 2015. Collection method: clinical testing. Allele origin: germline. Affected: no.

Center for Pediatric Genomic Medicine, Children's Mercy Hospital and Clinics
Classification: Benign. Last evaluated: 2017-02-17. Review status: criteria provided, single submitter. Criteria: ACMG Guidelines, 2015. Collection method: clinical testing. Allele origin: germline.

Eurofins Ntd Llc (ga)
Classification: Benign. Last evaluated: 2015-08-10. Review status: criteria provided, single submitter. Criteria: EGL Classification Definitions 2015. Collection method: clinical testing. Allele origin: germline. Observed: 1 variant allele, 1 heterozygote.

Breakthrough Genomics
Classification: Likely benign. Review status: criteria provided, single submitter. Criteria: ACMG Guidelines, 2015. Collection method: not provided. Allele origin: germline. Inheritance: X-linked inheritance. Affected: yes.

PreventionGenetics, part of Exact Sciences
Classification: Likely benign. Review status: criteria provided, single submitter. Criteria: ACMG Guidelines, 2015. Collection method: clinical testing. Allele origin: germline.

ITMI
No classification provided. Condition: AllHighlyPenetrant. Last evaluated: 2013-09-19. Review status: no classification provided. Collection method: reference population. Allele origin: germline. Not counted in ClinVar's aggregate classification.
Comment: Please see associated publication for description of ethnicities

ISTH-SSC Genomics in Thrombosis and Hemostasis, KU Leuven, Center for Molecular and Vascular Biology
Classification: Uncertain significance for Wiskott-Aldrich syndrome. Review status: no assertion criteria provided. Collection method: research. Allele origin: unknown. Affected: yes. Not counted in ClinVar's aggregate classification.
Comment: Submitted to GoldVariant by Neil Morgan from Birmingham Platelet Group, Birmingham, UK

Literature cited by the submitters: PubMed 24728327 (cited by ITMI).